The following is an entry in ClinVar:

NM_001242.5(CD27):c.451A>G (p.Met151Val)

Genes: CD27 (CD27 molecule; plus strand), CD27-AS1 (CD27 antisense RNA 1; minus strand). Cytogenetic location: 12p13.31.
Variant type: single nucleotide variant.
Coding change: c.451A>G on transcript NM_001242.5 (MANE Select); coding-DNA position 451, A replaced by G.
Protein change: p.Met151Val; replaces methionine 151 with valine.
Molecular consequence: missense variant. On other transcripts: non-coding transcript variant (1).
Genome position (GRCh38, 1-based): chr12:6,450,543, A>G. VCF-style: chr12-6450543-A-G. GRCh37 (hg19) VCF-style: chr12-6559709-A-G.
Other names: short protein forms M151V.
Identifiers: ClinVar variation 1485843 (VCV001485843.6), dbSNP rs749253347, ClinGen allele CA383550366.

ClinVar aggregate classification (germline): Uncertain significance (1 of 4 stars; one submission).

Conditions:
Lymphoproliferative syndrome 2 (LPFS2). Also called: Combined immunodeficiency due to CD27 deficiency; CD27 DEFICIENCY. Identifiers: Orphanet 238505, MedGen C3554540, MONDO:0014054, OMIM 615122.

Submission:

Labcorp Genetics (formerly Invitae), Labcorp
Classification: Uncertain significance for Lymphoproliferative syndrome 2. Last evaluated: 2023-10-03. Review status: criteria provided, single submitter. Criteria: Invitae Variant Classification Sherloc (09022015). Collection method: clinical testing. Allele origin: germline.
Comment: This sequence change replaces methionine, which is neutral and non-polar, with valine, which is neutral and non-polar, at codon 151 of the CD27 protein (p.Met151Val). This variant is not present in population databases (gnomAD no frequency). This variant has not been reported in the literature in individuals affected with CD27-related conditions. ClinVar contains an entry for this variant (Variation ID: 1485843). Algorithms developed to predict the effect of missense changes on protein structure and function output the following: SIFT: "Not Available"; PolyPhen-2: "Benign"; Align-GVGD: "Not Available". The valine amino acid residue is found in multiple mammalian species, which suggests that this missense change does not adversely affect protein function. In summary, the available evidence is currently insufficient to determine the role of this variant in disease. Therefore, it has been classified as a Variant of Uncertain Significance.